The following is an entry in ClinVar:

ClinVar aggregate classification (germline): Benign. Review status: reviewed by expert panel (3 of 4 stars). 27 submissions from 27 submitters: Benign (1). 26 of the submissions do not count toward it. Last evaluated 2023-02-26.

Conditions:
Classic or attenuated familial adenomatous polyposis. Identifiers: MedGen CN372698, MONDO:0021057.
APC-Associated Polyposis Disorders.
Hereditary cancer-predisposing syndrome. Also called: Neoplastic Syndromes, Hereditary; Tumor predisposition; Hereditary Cancer Syndrome; Hereditary neoplastic syndrome. Identifiers: Orphanet 140162, MedGen C0027672, MeSH D009386, MONDO:0015356.
Familial multiple polyposis syndrome (FAP). Also called: Familial polyposis; Familial adenomatous polyposis; Familial intestinal polyposis; Familial Adenomatous Polyposis (FAP); Classic familial adenomatous polyposis. Identifiers: Orphanet 733, MedGen C0032580, MONDO:0021055. Disease mechanism: loss of function.
Familial adenomatous polyposis 1 (FAP1). Also called: POLYPOSIS, ADENOMATOUS INTESTINAL; FAMILIAL ADENOMATOUS POLYPOSIS 1, ATTENUATED. Identifiers: MedGen C2713442, MONDO:0021056, OMIM 175100. Disease mechanism: loss of function.
Familial colorectal cancer. Identifiers: MedGen CN280943, MONDO:0023113. Disease mechanism: loss of function.

Allele frequency attached by ClinVar (database versions not stated): ExAC 0.79810; TOPMed 0.84110; 1000 Genomes Project 0.86542; 1000 Genomes Project 30x 0.86790; gnomAD exomes 0.79483 and 0.77616; gnomAD 0.82042 and 0.82099; ESP Exome Variant Server 0.82626.
gnomAD v4.1: 1,257,991 of 1,611,172 alleles (78%); highest among the groups gnomAD compares: African/African-American, 96%; 493,662 homozygotes.

Submissions 1 to 20 of 27:

ClinGen InSiGHT Hereditary Colorectal Cancer/Polyposis Variant Curation Expert Panel
Classification: Benign for Familial adenomatous polyposis 1. Last evaluated: 2023-02-26. Review status: reviewed by expert panel. Criteria: ClinGen InSiGHT HCCP VCEP ACMG Specifications APC V1. Collection method: curation. Allele origin: germline. Inheritance: Autosomal dominant inheritance.
Comment: The c.5465T>A variant in APC is a missense variant predicted to cause the substitution of Valine by Asparagine at amino acid position 1822 (p.Val1822Asp). APC is defined by the ClinGen InSiGHT Hereditary Colorectal Cancer/Polyposis Variant Curation Expert Panel (HCCP VCEP) as a gene for which primarily truncating variants are known to cause disease (BP1). The highest population minor allele frequency in gnomAD v2.1.1 is 0.9598 (23897/24898 alleles) in the African/African American population, which is higher than the ClinGen APC VCEP threshold (>0.1%) for BA1, and therefore meets this criterion (BA1). In summary, this variant meets the criteria to be classified as Benign for FAP based on the ACMG/AMP criteria applied, as specified by the HCCP VCEP: BA1 and BP1 (VCEP specifications version 1; date of approval: 12/12/2022).

Labcorp Genetics (formerly Invitae), Labcorp
Classification: Benign for Familial adenomatous polyposis 1. Last evaluated: 2026-02-04. Review status: criteria provided, single submitter. Criteria: Invitae Variant Classification Sherloc (09022015). Collection method: clinical testing. Allele origin: germline. Not counted in ClinVar's aggregate classification.

ARUP Laboratories, Molecular Genetics and Genomics, ARUP Laboratories
Classification: Benign. Last evaluated: 2025-07-30. Review status: criteria provided, single submitter. Criteria: ARUP Molecular Germline Variant Investigation Process 2024. Collection method: clinical testing. Allele origin: germline. Not counted in ClinVar's aggregate classification.

GeneKor MSA
Classification: Benign for Hereditary cancer-predisposing syndrome. Last evaluated: 2025-07-10. Review status: criteria provided, single submitter. Criteria: ACMG Guidelines, 2015. Collection method: clinical testing. Allele origin: germline. Not counted in ClinVar's aggregate classification.

Blueprint Genetics
Classification: Likely benign. Last evaluated: 2024-11-26. Review status: criteria provided, single submitter. Criteria: ACMG Guidelines, 2015. Collection method: clinical testing. Allele origin: germline. Not counted in ClinVar's aggregate classification.

All of Us Research Program, National Institutes of Health
Classification: Benign for Classic or attenuated familial adenomatous polyposis. Last evaluated: 2024-10-03. Review status: criteria provided, single submitter. Criteria: ACMG Guidelines, 2015. Collection method: clinical testing. Allele origin: germline. Inheritance: Autosomal dominant inheritance. Observed: 136,365 variant alleles, 46,821 heterozygotes, 89,514 homozygotes, 30 hemizygotes. Not counted in ClinVar's aggregate classification.
Comment: This study involves interpretation of variants in research participants for the purpose of population health screening. Participant phenotype was not available at the time of variant classification. Additional details can be found in publication PMID: 35346344, PMCID: PMC8962531

KCCC/NGS Laboratory, Kuwait Cancer Control Center
Classification: Benign for Familial adenomatous polyposis 1. Last evaluated: 2023-07-07. Review status: criteria provided, single submitter. Criteria: ACMG Guidelines, 2015. Collection method: clinical testing. Allele origin: germline. Affected: yes. Not counted in ClinVar's aggregate classification.

SIB Swiss Institute of Bioinformatics
Classification: Benign for Familial adenomatous polyposis 1. Last evaluated: 2018-10-15. Review status: criteria provided, single submitter. Criteria: ACMG Guidelines, 2015. Collection method: curation. Allele origin: germline. Not counted in ClinVar's aggregate classification.
Comment: This variant is interpreted as Benign for Familial adenomatous polyposis 1. The following ACMG Tag(s) were applied: BA1 => Allele frequency is >5% in Exome Sequencing Project, 1000 Genomes Project, or Exome Aggregation Consortium.

Illumina Laboratory Services, Illumina
Classification: Benign for APC-Associated Polyposis Disorders. Last evaluated: 2018-03-06. Review status: criteria provided, single submitter. Criteria: ICSL Variant Classification Criteria 13 December 2019. Collection method: clinical testing. Allele origin: germline. Not counted in ClinVar's aggregate classification.
Comment: This variant was observed in the ICSL laboratory as part of a predisposition screen in an ostensibly healthy population. It had not been previously curated by ICSL or reported in the Human Gene Mutation Database (HGMD: prior to June 1st, 2018), and was therefore a candidate for classification through an automated scoring system. Utilizing variant allele frequency, disease prevalence and penetrance estimates, and inheritance mode, an automated score was calculated to assess if this variant is too frequent to cause the disease. Based on the score and internal cut-off values, a variant classified as benign is not then subjected to further curation. The score for this variant resulted in a classification of benign for this disease.

Eurofins Ntd Llc (ga)
Classification: Benign. Last evaluated: 2016-03-16. Review status: criteria provided, single submitter. Criteria: EGL Classification Definitions 2015. Collection method: clinical testing. Allele origin: germline. Observed: 70 variant alleles, 20 heterozygotes, 50 homozygotes. Not counted in ClinVar's aggregate classification.

Color Diagnostics, LLC DBA Color Health
Classification: Benign for Hereditary cancer-predisposing syndrome. Last evaluated: 2015-03-27. Review status: criteria provided, single submitter. Criteria: ACMG Guidelines, 2015. Collection method: clinical testing. Allele origin: germline. Not counted in ClinVar's aggregate classification.

GeneDx
Classification: Benign. Last evaluated: 2015-03-03. Review status: criteria provided, single submitter. Criteria: GeneDx Variant Classification Process June 2021. Collection method: clinical testing. Allele origin: germline. Affected: yes. Not counted in ClinVar's aggregate classification.
Comment: This variant is associated with the following publications: (PMID: 24728327, 27347161, 27153395, 9950360, 18343606, 20027139, 21859464, 24599579, 21995949, 20510605, 20149637, 16569251, 16574953, 22703879)

Ambry Genetics
Classification: Benign for Hereditary cancer-predisposing syndrome. Last evaluated: 2014-11-13. Review status: criteria provided, single submitter. Criteria: Ambry Variant Classification Scheme 2023. Collection method: clinical testing. Allele origin: germline. Not counted in ClinVar's aggregate classification.

PreventionGenetics, part of Exact Sciences
Classification: Benign. Review status: criteria provided, single submitter. Criteria: ACMG Guidelines, 2015. Collection method: clinical testing. Allele origin: germline. Not counted in ClinVar's aggregate classification.

Institute for Biomarker Research, Medical Diagnostic Laboratories, L.L.C.
Classification: Benign for Hereditary cancer-predisposing syndrome. Last evaluated: 2021-12-21. Review status: no assertion criteria provided. Collection method: clinical testing. Allele origin: germline. Not counted in ClinVar's aggregate classification.

Pathway Genomics
Classification: Benign for Adenomatous polyposis coli. Last evaluated: 2014-07-24. Review status: no assertion criteria provided. Collection method: clinical testing. Allele origin: germline. Not counted in ClinVar's aggregate classification.

ITMI
No classification provided. Condition: AllHighlyPenetrant. Last evaluated: 2013-09-19. Review status: no classification provided. Collection method: reference population. Allele origin: germline. Not counted in ClinVar's aggregate classification.
Comment: Please see associated publication for description of ethnicities

Biesecker Lab/Clinical Genomics Section, National Institutes of Health
Classification: Benign. Last evaluated: 2012-07-13. Review status: no assertion criteria provided. Collection method: research. Allele origin: germline. Affected: no. Observed: 510 variant alleles. Study: ClinSeq. Not counted in ClinVar's aggregate classification.
ClinVar note: Converted during submission from no known pathogenicity to Benign.

Laboratory for Molecular Medicine, Mass General Brigham Personalized Medicine
Classification: Benign. Last evaluated: 2008-03-01. Review status: no assertion criteria provided. Collection method: clinical testing. Allele origin: germline. Observed: 28 variant alleles. Not counted in ClinVar's aggregate classification.

Clinical Genetics DNA and cytogenetics Diagnostics Lab, Erasmus MC, Erasmus Medical Center
Classification: Benign. Review status: no assertion criteria provided. Collection method: clinical testing. Allele origin: germline. Affected: yes. Study: VKGL Data-share Consensus. Not counted in ClinVar's aggregate classification.

NM_000038.6(APC):c.5465T>A (p.Val1822Asp)

Gene: APC (APC regulator of Wnt signaling pathway; plus strand). Cytogenetic location: 5q22.2.
Variant type: single nucleotide variant.
Coding change: c.5465T>A on transcript NM_000038.6 (MANE Select); coding-DNA position 5465, T replaced by A.
Protein change: p.Val1822Asp; replaces valine 1822 with aspartic acid.
Molecular consequence: missense variant.
Genome position (GRCh38, 1-based): chr5:112,841,059, T>A. VCF-style: chr5-112841059-T-A. GRCh37 (hg19) VCF-style: chr5-112176756-T-A.
Other names: NM_000038.6(APC):c.5465T>A; c.5465T>A, p.Val1822Asp (NM_001127510.3, NM_001354895.2); c.5411T>A, p.Val1804Asp (NM_001127511.3); c.5519T>A, p.Val1840Asp (NM_001354896.2); c.5495T>A, p.Val1832Asp (NM_001354897.2); c.5390T>A, p.Val1797Asp (NM_001354898.2); c.5381T>A, p.Val1794Asp (NM_001354899.2); c.5342T>A, p.Val1781Asp (NM_001354900.2); and 6 more; short protein forms V1804D, V1822D, V1539D, V1696D, V1781D, V1797D, V1662D, V1721D.
Identifiers: ClinVar variation 21030 (VCV000021030.59), dbSNP rs459552, ClinGen allele CA010422.